The following is an entry in ClinVar:

NM_212481.3(ARID5A):c.130G>A (p.Glu44Lys)

Gene: ARID5A (AT-rich interaction domain 5A; plus strand). Cytogenetic location: 2q11.2.
Variant type: single nucleotide variant.
Coding change: c.130G>A on transcript NM_212481.3 (MANE Select); coding-DNA position 130, G replaced by A.
Protein change: p.Glu44Lys; replaces glutamic acid 44 with lysine.
Molecular consequence: missense variant. On other transcripts: 5 prime UTR variant (2), intron variant (2).
Genome position (GRCh38, 1-based): chr2:96,549,330, G>A. VCF-style: chr2-96549330-G-A. GRCh37 (hg19) VCF-style: chr2-97215067-G-A.
Other names: c.130G>A, p.Glu44Lys (NM_001319085.2, NM_001319087.2); c.-75G>A (NM_001319092.1); c.-332G>A (NM_001319094.2); c.-233-423G>A (NM_001319096.2, NM_001319093.2); short protein forms E44K.
Identifiers: ClinVar variation 4977929 (VCV004977929.1).
Genomic context (GRCh38, chr2:96,549,330, plus strand): 5'-CAGCCAGCCACCAACTGGGGCCCATCCCAATGCCTCCTGTTCTCTCCCCAGGACTCCCCC[G>A]AGGCAGGCGGGGAGCGGGAGGAGGAGCAGGAGCGGGAGGAGGAGCAGGCCTTCCTGGTCA-3'
Protein context (NP_997646.1, residues 34-54): QNPISLEDSP[Glu44Lys]AGGEREEEQE

ClinVar aggregate classification (germline): Likely benign (1 of 4 stars; one submission).

Conditions:
ARID5A-related disorder. Also called: ARID5A-related condition.

Submission:

PreventionGenetics, part of Exact Sciences
Classification: Likely benign for ARID5A-related condition. Last evaluated: 2026-02-02. Review status: criteria provided, single submitter. Criteria: ACMG Guidelines, 2015. Collection method: clinical testing. Allele origin: germline.
Comment: This variant is classified as likely benign based on ACMG/AMP sequence variant interpretation guidelines (Richards et al. 2015 PMID: 25741868, with internal and published modifications).